The following is an entry in ClinVar:

NM_003265.3(TLR3):c.1684T>C (p.Ser562Pro)

Gene: TLR3 (toll like receptor 3; plus strand). Cytogenetic location: 4q35.1.
Variant type: single nucleotide variant.
Coding change: c.1684T>C on transcript NM_003265.3 (MANE Select); coding-DNA position 1684, T replaced by C.
Protein change: p.Ser562Pro; replaces serine 562 with proline.
Molecular consequence: missense variant.
Genome position (GRCh38, 1-based): chr4:186,083,370, T>C. VCF-style: chr4-186083370-T-C. GRCh37 (hg19) VCF-style: chr4-187004524-T-C.
Other names: c.1684T>C (NM_003265.2); short protein forms S562P.
Identifiers: ClinVar variation 1011967 (VCV001011967.8), dbSNP rs149184129, ClinGen allele CA3161456.
Genomic context (GRCh38, chr4:186,083,370, plus strand): 5'-TTAGCACGGCTCTGGAAACACGCAAACCCTGGTGGTCCCATTTATTTCCTAAAGGGTCTG[T>C]CTCACCTCCACATCCTTAACTTGGAGTCCAACGGCTTTGACGAGATCCCAGTTGAGGTCT-3'
Protein context (NP_003256.1, residues 552-572): GGPIYFLKGL[Ser562Pro]HLHILNLESN

ClinVar aggregate classification (germline): Uncertain significance. Review status: criteria provided, multiple submitters, no conflicts (2 of 4 stars). 2 submissions from 2 submitters: Uncertain significance (2). Last evaluated 2025-12-20.

Conditions:
Encephalopathy, acute, infection-induced (herpes-specific), susceptibility to, 1. Also called: Herpes simplex encephalitis, susceptibility to, 1. Identifiers: Orphanet 1930, MedGen C2750180, MONDO:0024563, OMIM 610551.

Allele frequency attached by ClinVar (database versions not stated): gnomAD 0.00026 and 0.00021; ExAC 0.00007; gnomAD exomes 0.00005 and 0.00003; ESP Exome Variant Server 0.00023; TOPMed 0.00029.

Submissions (2):

Labcorp Genetics (formerly Invitae), Labcorp
Classification: Uncertain significance for Encephalopathy, acute, infection-induced (herpes-specific), susceptibility to, 1. Last evaluated: 2025-12-20. Review status: criteria provided, single submitter. Criteria: Invitae Variant Classification Sherloc (09022015). Collection method: clinical testing. Allele origin: germline.
Comment: This sequence change replaces serine, which is neutral and polar, with proline, which is neutral and non-polar, at codon 562 of the TLR3 protein (p.Ser562Pro). This variant is present in population databases (rs149184129, gnomAD 0.09%), and has an allele count higher than expected for a pathogenic variant. This variant has not been reported in the literature in individuals affected with TLR3-related conditions. ClinVar contains an entry for this variant (Variation ID: 1011967). An algorithm developed to predict the effect of missense changes on protein structure and function (PolyPhen-2) suggests that this variant is likely to be tolerated. In summary, the available evidence is currently insufficient to determine the role of this variant in disease. Therefore, it has been classified as a Variant of Uncertain Significance.

Ambry Genetics
Classification: Uncertain significance. Last evaluated: 2024-01-08. Review status: criteria provided, single submitter. Criteria: Ambry Variant Classification Scheme 2023. Collection method: clinical testing. Allele origin: germline.